The following is an entry in ClinVar:

NM_000384.3(APOB):c.11819C>T (p.Thr3940Met)

Gene: APOB (apolipoprotein B; minus strand). Cytogenetic location: 2p24.1.
Variant type: single nucleotide variant.
Coding change: c.11819C>T on transcript NM_000384.3 (MANE Select); coding-DNA position 11819, C replaced by T.
Protein change: p.Thr3940Met; replaces threonine 3940 with methionine.
Molecular consequence: missense variant.
Genome position (GRCh38, 1-based): chr2:21,004,645, G>A on the plus strand (C>T on the coding strand, the complement: APOB is on the minus strand). VCF-style: chr2-21004645-G-A. GRCh37 (hg19) VCF-style: chr2-21227517-G-A.
Other names: short protein forms T3940M.
Identifiers: ClinVar variation 510012 (VCV000510012.22), dbSNP rs72654416, ClinGen allele CA047701.

ClinVar aggregate classification (germline): Benign/Likely benign. Review status: criteria provided, multiple submitters, no conflicts (2 of 4 stars). 7 submissions from 7 submitters: Benign (2); Likely benign (4). 1 of the submissions does not count toward it. Last evaluated 2026-01-09.

Conditions:
APOB-related disorder. Also called: APOB-related condition; APOB-related disorders.
Cardiovascular phenotype. Identifiers: MedGen CN230736.
Familial hypobetalipoproteinemia 1. Also called: Hypobetalipoproteinemia, normotriglyceridemic; Acanthocytosis with hypobetalipoproteinemia; APOB-Related Familial Hypobetalipoproteinemia. Identifiers: MedGen C4551990, MONDO:0014252, OMIM 615558.
Hypercholesterolemia, autosomal dominant, type B (FHCL2). Also called: Familial hypercholesterolemia 2; APOB-Related Familial Hypercholesterolemia, Autosomal Dominant; HYPERCHOLESTEROLEMIA, FAMILIAL, DUE TO LIGAND-DEFECTIVE APOLIPOPROTEIN B; Familial Hypercholesterolemia Type B; APOLIPOPROTEIN B-100, FAMILIAL DEFECTIVE; APOLIPOPROTEIN B-100, FAMILIAL LIGAND-DEFECTIVE. Identifiers: MedGen C1704417, MONDO:0007751, OMIM 144010.

Allele frequency attached by ClinVar (database versions not stated): ExAC 0.00060; gnomAD 0.00155 and 0.00161; TOPMed 0.00186; ESP Exome Variant Server 0.00208; 1000 Genomes Project 0.00260; 1000 Genomes Project 30x 0.00281.
gnomAD v4.1: 459 of 1,613,784 alleles (0.028%); highest among the groups gnomAD compares: African/African-American, 0.54%; 2 homozygotes.

Submissions (7):

Labcorp Genetics (formerly Invitae), Labcorp
Classification: Benign for Familial hypobetalipoproteinemia 1; Hypercholesterolemia, autosomal dominant, type B. Last evaluated: 2026-01-09. Review status: criteria provided, single submitter. Criteria: Invitae Variant Classification Sherloc (09022015). Collection method: clinical testing. Allele origin: germline.

ARUP Laboratories, Molecular Genetics and Genomics, ARUP Laboratories
Classification: Likely benign. Last evaluated: 2025-05-20. Review status: criteria provided, single submitter. Criteria: ARUP Molecular Germline Variant Investigation Process 2024. Collection method: clinical testing. Allele origin: germline.

Quest Diagnostics Nichols Institute San Juan Capistrano
Classification: Likely benign. Last evaluated: 2025-05-14. Review status: criteria provided, single submitter. Criteria: Quest Diagnostics criteria. Collection method: clinical testing. Allele origin: unknown.

Ambry Genetics
Classification: Benign for Cardiovascular phenotype. Last evaluated: 2017-06-22. Review status: criteria provided, single submitter. Criteria: Ambry Variant Classification Scheme 2023. Collection method: clinical testing. Allele origin: germline.

GeneDx
Classification: Likely benign. Last evaluated: 2017-06-06. Review status: criteria provided, single submitter. Criteria: GeneDx Variant Classification (06012015). Collection method: clinical testing. Allele origin: germline. Affected: yes.
Comment: This variant is considered likely benign or benign based on one or more of the following criteria: it is a conservative change, it occurs at a poorly conserved position in the protein, it is predicted to be benign by multiple in silico algorithms, and/or has population frequency not consistent with disease.

Breakthrough Genomics
Classification: Likely benign. Review status: criteria provided, single submitter. Criteria: ACMG Guidelines, 2015. Collection method: not provided. Allele origin: germline. Inheritance: Autosomal recessive inheritance. Affected: yes.

PreventionGenetics, part of Exact Sciences
Classification: Likely benign for APOB-related condition. Last evaluated: 2023-12-22. Review status: no assertion criteria provided. Collection method: clinical testing. Allele origin: germline. Not counted in ClinVar's aggregate classification.
Comment: This variant is classified as likely benign based on ACMG/AMP sequence variant interpretation guidelines (Richards et al. 2015 PMID: 25741868, with internal and published modifications).